The following is an entry in ClinVar:

ClinVar aggregate classification (germline): Likely pathogenic (1 of 4 stars; one submission).

Conditions:
Congenital lactic acidosis, Saguenay-Lac-Saint-Jean type (MC4DN5). Also called: CYTOCHROME c OXIDASE DEFICIENCY, FRENCH CANADIAN TYPE; COX DEFICIENCY, FRENCH CANADIAN TYPE; MITOCHONDRIAL COMPLEX IV DEFICIENCY, NUCLEAR TYPE 5. Identifiers: Orphanet 70472, MedGen C1857355, MONDO:0009069, OMIM 220111.

Submission:

Myriad Genetics, Inc.
Classification: Likely pathogenic for Congenital lactic acidosis, Saguenay-Lac-Saint-Jean type. Last evaluated: 2022-05-02. Review status: criteria provided, single submitter. Criteria: Myriad Women's Health Autosomal Recessive and X-Linked Classification Criteria (2021). Collection method: clinical testing. Allele origin: unknown.
Comment: NM_133259.3(LRPPRC):c.1082_1083delGCinsT(C361Ffs*21) is expected to be pathogenic in the context of Leigh syndrome, French-Canadian type. This variant is predicted to lead to an abnormal or absent protein product due to the creation of a premature termination codon in LRPPRC, a gene where loss-of-function variants are known to be pathogenic. Please note: this variant was assessed in the context of healthy population screening.

NM_133259.4(LRPPRC):c.1082_1083delinsT (p.Cys361fs)

Gene: LRPPRC (leucine rich pentatricopeptide repeat containing; minus strand). Cytogenetic location: 2p21.
Variant type: Indel.
Coding change: c.1082_1083delinsT on transcript NM_133259.4 (MANE Select); coding-DNA positions 1082 to 1083, GC replaced by T.
Protein change: p.Cys361fs; shifts the reading frame from cysteine 361.
Molecular consequence: frameshift variant.
Genome position (GRCh38, 1-based): chr2:43,974,222-43,974,223, GC replaced by A on the plus strand (GC replaced by T on the coding strand, the reverse complement: LRPPRC is on the minus strand). VCF-style: chr2-43974222-GC-A. GRCh37 (hg19) VCF-style: chr2-44201361-GC-A.
Other names: short protein forms C361fs.
Identifiers: ClinVar variation 1726001 (VCV001726001.2), dbSNP rs2466663066, ClinGen allele CA2580066907.